The following is an entry in ClinVar:

NM_004393.6(DAG1):c.1874A>G (p.Lys625Arg)

Gene: DAG1 (dystroglycan 1; plus strand). Cytogenetic location: 3p21.31.
Variant type: single nucleotide variant.
Coding change: c.1874A>G on transcript NM_004393.6 (MANE Select); coding-DNA position 1874, A replaced by G.
Protein change: p.Lys625Arg; replaces lysine 625 with arginine.
Molecular consequence: missense variant.
Genome position (GRCh38, 1-based): chr3:49,532,385, A>G. VCF-style: chr3-49532385-A-G. GRCh37 (hg19) VCF-style: chr3-49569818-A-G.
Other names: c.1874A>G, p.Lys625Arg (NM_001165928.4, NM_001177634.3, NM_001177635.3 and 9 more transcripts); short protein forms K625R.
Identifiers: ClinVar variation 1993410 (VCV001993410.4), dbSNP rs763283347, ClinGen allele CA2399165.

ClinVar aggregate classification (germline): Uncertain significance (1 of 4 stars; one submission).

Conditions:
Autosomal recessive limb-girdle muscular dystrophy type 2P. Also called: Limb-Girdle Muscular Dystrophy Type 9C; MUSCULAR DYSTROPHY, LIMB-GIRDLE, TYPE 2P; MUSCULAR DYSTROPHY-DYSTROGLYCANOPATHY, LIMB-GIRDLE, DAG1-RELATED. Identifiers: Orphanet 280333, MedGen C4511963, MONDO:0013440, OMIM 613818.
Muscular dystrophy-dystroglycanopathy (congenital with brain and eye anomalies), type A9. Also called: WALKER-WARBURG SYNDROME OR MUSCLE-EYE BRAIN DISEASE, DAG1-RELATED; Muscular dystrophy-dystroglycanopathy (congenital with brain and eye anomalies), type a, 9. Identifiers: Orphanet 370997, Orphanet 899, MedGen C4225291, MONDO:0014683, OMIM 616538.

Allele frequency attached by ClinVar (database versions not stated): gnomAD exomes below 0.00001; ExAC 0.00002.
gnomAD v4.1: 2 of 1,614,202 alleles (0.00012%); highest among the groups gnomAD compares: South Asian, 0.0022%; no homozygotes.

Submission:

Labcorp Genetics (formerly Invitae), Labcorp
Classification: Uncertain significance for Autosomal recessive limb-girdle muscular dystrophy type 2P; Muscular dystrophy-dystroglycanopathy (congenital with brain and eye anomalies), type A9. Last evaluated: 2022-05-12. Review status: criteria provided, single submitter. Criteria: Invitae Variant Classification Sherloc (09022015). Collection method: clinical testing. Allele origin: germline.
Comment: In summary, the available evidence is currently insufficient to determine the role of this variant in disease. Therefore, it has been classified as a Variant of Uncertain Significance. Algorithms developed to predict the effect of missense changes on protein structure and function output the following: SIFT: "Tolerated"; PolyPhen-2: "Benign"; Align-GVGD: "Class C0". The arginine amino acid residue is found in multiple mammalian species, which suggests that this missense change does not adversely affect protein function. This variant has not been reported in the literature in individuals affected with DAG1-related conditions. This variant is present in population databases (rs763283347, gnomAD 0.006%). This sequence change replaces lysine, which is basic and polar, with arginine, which is basic and polar, at codon 625 of the DAG1 protein (p.Lys625Arg).